The following is an entry in ClinVar:

NM_001042492.3(NF1):c.2026del (p.Thr676fs)

Gene: NF1 (neurofibromin 1; plus strand). Cytogenetic location: 17q11.2.
Variant type: Deletion.
Coding change: c.2026del on transcript NM_001042492.3 (MANE Select); coding-DNA position 2026, one base deleted (A; older notation c.2026delA).
Protein change: p.Thr676fs; shifts the reading frame from threonine 676.
Molecular consequence: frameshift variant.
Genome position (GRCh38, 1-based): chr17:31,226,459, A deleted; the last of 2 consecutive A bases (chr17:31,226,458-31,226,459); deleting either gives the same sequence. VCF-style (leftmost placement, unchanged base first): chr17-31226457-GA-G. GRCh37 (hg19) VCF-style: chr17-29553475-GA-G.
Other names: c.2026delA, p.Thr676Profs (NM_000267.4); short protein forms T676fs.
Identifiers: ClinVar variation 2736521 (VCV002736521.3), dbSNP rs2508154437, ClinGen allele CA2695225298.

ClinVar aggregate classification (germline): Pathogenic (1 of 4 stars; one submission).

Conditions:
Neurofibromatosis, type 1 (NF1). Also called: Neurofibromatosis, type I; Peripheral type neurofibromatosis; VON RECKLINGHAUSEN DISEASE; NEUROFIBROMATOSIS, TYPE I, SOMATIC. Identifiers: Orphanet 636, MedGen C0027831, MONDO:0018975, OMIM 162200. Disease mechanism: loss of function.

Submission:

Labcorp Genetics (formerly Invitae), Labcorp
Classification: Pathogenic for Neurofibromatosis, type 1. Last evaluated: 2023-05-25. Review status: criteria provided, single submitter. Criteria: Invitae Variant Classification Sherloc (09022015). Collection method: clinical testing. Allele origin: germline.
Comment: For these reasons, this variant has been classified as Pathogenic. This premature translational stop signal has been observed in individual(s) with neurofibromatosis type 1 (PMID: 21520333). This variant is not present in population databases (gnomAD no frequency). This sequence change creates a premature translational stop signal (p.Thr676Profs*12) in the NF1 gene. It is expected to result in an absent or disrupted protein product. Loss-of-function variants in NF1 are known to be pathogenic (PMID: 10712197, 23913538).

Literature cited by the submitters: PubMed 21520333; PubMed 10712197; PubMed 23913538.